The following is an entry in ClinVar:

ClinVar aggregate classification (germline): Pathogenic/Likely pathogenic. Review status: criteria provided, multiple submitters, no conflicts (2 of 4 stars). 2 submissions from 2 submitters: Pathogenic (1); Likely pathogenic (1). Last evaluated 2025-02-25.

Conditions:
PDZD7-related disorder. Also called: PDZD7-related condition; PDZD7-related disorders.

Allele frequency attached by ClinVar (database versions not stated): gnomAD exomes below 0.00001.
gnomAD v4.1: 4 of 1,613,946 alleles (0.00025%); highest among the groups gnomAD compares: Non-Finnish European, 0.00025%; no homozygotes.

Submissions (2):

Labcorp Genetics (formerly Invitae), Labcorp
Classification: Pathogenic. Last evaluated: 2025-02-25. Review status: criteria provided, single submitter. Criteria: Invitae Variant Classification Sherloc (09022015). Collection method: clinical testing. Allele origin: germline.
Comment: This sequence change creates a premature translational stop signal (p.Arg59*) in the PDZD7 gene. It is expected to result in an absent or disrupted protein product. Loss-of-function variants in PDZD7 are known to be pathogenic (PMID: 20440071). This variant is present in population databases (no rsID available, gnomAD 0.006%). This variant has not been reported in the literature in individuals affected with PDZD7-related conditions. ClinVar contains an entry for this variant (Variation ID: 2092759). For these reasons, this variant has been classified as Pathogenic.

Blueprint Genetics
Classification: Likely pathogenic for PDZD7-related disorders. Last evaluated: 2020-01-04. Review status: criteria provided, single submitter. Criteria: ACMG Guidelines, 2015. Collection method: clinical testing. Allele origin: germline. Affected: yes. Observed: 1 variant allele.

Literature cited by the submitters: PubMed 20440071 (cited by Labcorp Genetics (formerly Invitae), Labcorp).

NM_001195263.2(PDZD7):c.175C>T (p.Arg59Ter)

Gene: PDZD7 (PDZ domain containing 7; minus strand). Cytogenetic location: 10q24.31.
Variant type: single nucleotide variant.
Coding change: c.175C>T on transcript NM_001195263.2 (MANE Select); coding-DNA position 175, C replaced by T.
Protein change: p.Arg59Ter; replaces arginine 59 with a stop codon.
Molecular consequence: nonsense.
Genome position (GRCh38, 1-based): chr10:101,030,045, G>A on the plus strand (C>T on the coding strand, the complement: PDZD7 is on the minus strand). VCF-style: chr10-101030045-G-A. GRCh37 (hg19) VCF-style: chr10-102789802-G-A.
Other names: c.175C>T, p.Arg59Ter (NM_001351044.2, NM_024895.5); short protein forms R59*.
Identifiers: ClinVar variation 2092759 (VCV002092759.5), dbSNP rs1364618100, ClinGen allele CA378231253.
Genomic context (GRCh38, chr10:101,030,045, plus strand): 5'-CGCCCCTACCTTCGATGGGGGAGTTGATGAGGATGACGCGTCCCATGGGCGATGAGGCTC[G>A]GATTCCGCGGGGGGGCCCGTTCAGCAGCCGTTGTTGCTTCCTTAGCAGGTATCGCGTTGC-3'